The following is an entry in ClinVar:

NM_007194.4(CHEK2):c.744A>G (p.Ile248Met)

Gene: CHEK2 (checkpoint kinase 2; minus strand). Cytogenetic location: 22q12.1.
Variant type: single nucleotide variant.
Coding change: c.744A>G on transcript NM_007194.4 (MANE Select); coding-DNA position 744, A replaced by G.
Protein change: p.Ile248Met; replaces isoleucine 248 with methionine.
Molecular consequence: missense variant.
Genome position (GRCh38, 1-based): chr22:28,711,957, T>C on the plus strand (A>G on the coding strand, the complement: CHEK2 is on the minus strand). VCF-style: chr22-28711957-T-C. GRCh37 (hg19) VCF-style: chr22-29107945-T-C.
Other names: c.543A>G, p.Ile181Met (NM_001349956.3); c.744A>G, p.Ile248Met (NM_145862.3); c.873A>G, p.Ile291Met (NM_001005735.3); c.81A>G, p.Ile27Met (NM_001257387.3); short protein forms I291M, I248M, I181M, I27M.
Identifiers: ClinVar variation 2034598 (VCV002034598.5), dbSNP rs2145950476, ClinGen allele CA411103249.

ClinVar aggregate classification (germline): Uncertain significance. Review status: criteria provided, multiple submitters, no conflicts (2 of 4 stars). 2 submissions from 2 submitters: Uncertain significance (2). Last evaluated 2024-12-16.

Conditions:
Hereditary cancer-predisposing syndrome. Also called: Hereditary Cancer Syndrome; Neoplastic Syndromes, Hereditary; Hereditary neoplastic syndrome; Tumor predisposition. Identifiers: Orphanet 140162, MedGen C0027672, MeSH D009386, MONDO:0015356.
Familial cancer of breast. Also called: BREAST CANCER, FAMILIAL; Hereditary breast cancer; hereditary breast carcinoma. Identifiers: Orphanet 227535, MedGen C0346153, MONDO:0016419, OMIM 114480. Disease mechanism: loss of function.

Submissions (2):

Ambry Genetics
Classification: Uncertain significance for Hereditary cancer-predisposing syndrome. Last evaluated: 2024-12-16. Review status: criteria provided, single submitter. Criteria: Ambry Variant Classification Scheme 2023. Collection method: clinical testing. Allele origin: germline.
Comment: The p.I248M variant (also known as c.744A>G), located in coding exon 5 of the CHEK2 gene, results from an A to G substitution at nucleotide position 744. The isoleucine at codon 248 is replaced by methionine, an amino acid with highly similar properties. This amino acid position is not well conserved in available vertebrate species. In addition, the in silico prediction for this alteration is inconclusive. Based on the available evidence, the clinical significance of this variant remains unclear.

Labcorp Genetics (formerly Invitae), Labcorp
Classification: Uncertain significance for Familial cancer of breast. Last evaluated: 2022-10-07. Review status: criteria provided, single submitter. Criteria: Invitae Variant Classification Sherloc (09022015). Collection method: clinical testing. Allele origin: germline.
Comment: This sequence change replaces isoleucine, which is neutral and non-polar, with methionine, which is neutral and non-polar, at codon 248 of the CHEK2 protein (p.Ile248Met). This variant is not present in population databases (gnomAD no frequency). This variant has not been reported in the literature in individuals affected with CHEK2-related conditions. Algorithms developed to predict the effect of missense changes on protein structure and function are either unavailable or do not agree on the potential impact of this missense change (SIFT: "Deleterious"; PolyPhen-2: "Benign"; Align-GVGD: "Class C0"). In summary, the available evidence is currently insufficient to determine the role of this variant in disease. Therefore, it has been classified as a Variant of Uncertain Significance.